The following is an entry in ClinVar:

NM_001127208.3(TET2):c.1222C>T (p.Pro408Ser)

Genes: TET2 (tet methylcytosine dioxygenase 2; plus strand), TET2-AS1 (TET2 antisense RNA 1; minus strand). Cytogenetic location: 4q24.
Variant type: single nucleotide variant.
Coding change: c.1222C>T on transcript NM_001127208.3 (MANE Select); coding-DNA position 1222, C replaced by T.
Protein change: p.Pro408Ser; replaces proline 408 with serine.
Molecular consequence: missense variant.
Genome position (GRCh38, 1-based): chr4:105,235,164, C>T. VCF-style: chr4-105235164-C-T. GRCh37 (hg19) VCF-style: chr4-106156321-C-T.
Other names: c.1222C>T, p.Pro408Ser (NM_017628.4); short protein forms P408S.
Identifiers: ClinVar variation 3967720 (VCV003967720.2).

ClinVar aggregate classification (germline): Uncertain significance (1 of 4 stars; one submission).

gnomAD v4.1: 1 of 1,613,736 alleles (0.000062%); highest among the groups gnomAD compares: Non-Finnish European, 0.000085%; no homozygotes.

Submission:

Ambry Genetics
Classification: Uncertain significance. Last evaluated: 2025-11-17. Review status: criteria provided, single submitter. Criteria: Ambry Variant Classification Scheme 2023. Collection method: clinical testing. Allele origin: germline.
Comment: The p.P408S variant (also known as c.1222C>T), located in coding exon 1 of the TET2 gene, results from a C to T substitution at nucleotide position 1222. The proline at codon 408 is replaced by serine, an amino acid with similar properties. This amino acid position is conserved. In addition, this alteration is predicted to be tolerated by in silico analysis. Based on the available evidence, the clinical significance of this variant remains unclear.